The following is an entry in ClinVar:

NM_014714.4(IFT140):c.1717G>A (p.Ala573Thr)

Gene: IFT140 (intraflagellar transport 140; minus strand). Cytogenetic location: 16p13.3.
Variant type: single nucleotide variant.
Coding change: c.1717G>A on transcript NM_014714.4 (MANE Select); coding-DNA position 1717, G replaced by A.
Protein change: p.Ala573Thr; replaces alanine 573 with threonine.
Molecular consequence: missense variant.
Genome position (GRCh38, 1-based): chr16:1,568,270, C>T on the plus strand (G>A on the coding strand, the complement: IFT140 is on the minus strand). VCF-style: chr16-1568270-C-T. GRCh37 (hg19) VCF-style: chr16-1618271-C-T.
Other names: c.1717G>A (NM_014714.3); short protein forms A573T.
Identifiers: ClinVar variation 1442351 (VCV001442351.11), dbSNP rs528350505, ClinGen allele CA7814167.

ClinVar aggregate classification (germline): Conflicting classifications of pathogenicity. Review status: criteria provided, conflicting classifications (1 of 4 stars). 4 submissions from 4 submitters: Uncertain significance (2); Likely benign (2). Last evaluated 2026-01-26.

Conditions:
Saldino-Mainzer syndrome (SRTD9). Also called: short-rib thoracic dysplasia 9 with or without polydactyly; CONORENAL SYNDROME; Renal dysplasia, retinal pigmentary dystrophy, cerebellar ataxia and skeletal dysplasia; SHORT-RIB THORACIC DYSPLASIA 9 WITHOUT POLYDACTYLY. Identifiers: Orphanet 140969, MedGen C1849437, MONDO:0009964, OMIM 266920.
IFT140-related disorder. Also called: IFT140-related condition.
Retinitis pigmentosa 80 (RP80). Identifiers: MedGen C4540439, MONDO:0054708, OMIM 617781.

Allele frequency attached by ClinVar (database versions not stated): 1000 Genomes Project 30x 0.00031; 1000 Genomes Project 0.00040.
gnomAD v4.1: 132 of 1,613,126 alleles (0.0082%); highest among the groups gnomAD compares: South Asian, 0.12%; 2 homozygotes.

Submissions (4):

Labcorp Genetics (formerly Invitae), Labcorp
Classification: Likely benign for Saldino-Mainzer syndrome. Last evaluated: 2026-01-26. Review status: criteria provided, single submitter. Criteria: Invitae Variant Classification Sherloc (09022015). Collection method: clinical testing. Allele origin: germline.

PreventionGenetics, part of Exact Sciences
Classification: Likely benign for IFT140-related condition. Last evaluated: 2024-11-26. Review status: criteria provided, single submitter. Criteria: ACMG Guidelines, 2015. Collection method: clinical testing. Allele origin: germline.
Comment: This variant is classified as likely benign based on ACMG/AMP sequence variant interpretation guidelines (Richards et al. 2015 PMID: 25741868, with internal and published modifications).

Blueprint Genetics
Classification: Uncertain significance. Last evaluated: 2023-03-16. Review status: criteria provided, single submitter. Criteria: ACMG Guidelines, 2015. Collection method: clinical testing. Allele origin: germline.

Fulgent Genetics
Classification: Uncertain significance for Saldino-Mainzer syndrome; Retinitis pigmentosa 80. Last evaluated: 2022-03-25. Review status: criteria provided, single submitter. Criteria: ACMG Guidelines, 2015. Collection method: clinical testing. Allele origin: unknown.